The following is an entry in ClinVar:

ClinVar aggregate classification (germline): Uncertain significance (1 of 4 stars; one submission).

Submission:

Labcorp Genetics (formerly Invitae), Labcorp
Classification: Uncertain significance. Last evaluated: 2025-02-10. Review status: criteria provided, single submitter. Criteria: Invitae Variant Classification Sherloc (09022015). Collection method: clinical testing. Allele origin: germline.
Comment: This variant, c.2308_2310del, results in the deletion of 1 amino acid(s) of the HYOU1 protein (p.Glu770del), but otherwise preserves the integrity of the reading frame. This variant is not present in population databases (gnomAD no frequency). This variant has not been reported in the literature in individuals affected with HYOU1-related conditions. Experimental studies and prediction algorithms are not available or were not evaluated, and the functional significance of this variant is currently unknown. In summary, the available evidence is currently insufficient to determine the role of this variant in disease. Therefore, it has been classified as a Variant of Uncertain Significance.

NM_006389.5(HYOU1):c.2305GAG[1] (p.Glu770del)

Gene: HYOU1 (hypoxia up-regulated 1; minus strand). Cytogenetic location: 11q23.3.
Variant type: Microsatellite.
Coding change: c.2305GAG[1] on transcript NM_006389.5 (MANE Select); one copy of the 3-base unit GAG starting at c.2305; the reference has two copies in a row; one copy, 3 bases deleted.
Protein change: p.Glu770del; deletes glutamic acid 770.
Molecular consequence: inframe deletion.
Genome position (GRCh38, 1-based): chr11:119,048,314-119,048,316, CTC deleted on the plus strand (GAG on the coding strand, the reverse complement: HYOU1 is on the minus strand); deleting any 3 consecutive bases within chr11:119,048,314-119,048,319 gives the same sequence; the position shown is the placement nearest the transcript's 3' end. VCF-style (leftmost placement, unchanged base first): chr11-119048313-TCTC-T. GRCh37 (hg19) VCF-style: chr11-118919025-TCTC-T.
Other names: c.2305GAG[1], p.Glu770del (NM_001130991.3, NM_001411041.1); short protein forms E770del.
Identifiers: ClinVar variation 4704596 (VCV004704596.1).